The following is an entry in ClinVar:

NM_000127.3(EXT1):c.584T>G (p.Leu195Ter)

Gene: EXT1 (exostosin glycosyltransferase 1; minus strand). Cytogenetic location: 8q24.11.
Variant type: single nucleotide variant.
Coding change: c.584T>G on transcript NM_000127.3 (MANE Select); coding-DNA position 584, T replaced by G.
Protein change: p.Leu195Ter; replaces leucine 195 with a stop codon.
Molecular consequence: nonsense.
Genome position (GRCh38, 1-based): chr8:118,110,463, A>C on the plus strand (T>G on the coding strand, the complement: EXT1 is on the minus strand). VCF-style: chr8-118110463-A-C. GRCh37 (hg19) VCF-style: chr8-119122702-A-C.
Other names: short protein forms L195*.
Identifiers: ClinVar variation 644357 (VCV000644357.6), dbSNP rs1586279621, ClinGen allele CA371915512.

ClinVar aggregate classification (germline): Pathogenic (1 of 4 stars; one submission).

Conditions:
Multiple congenital exostosis (EXT). Also called: MULTIPLE CARTILAGINOUS EXOSTOSES; Multiple osteochondromas; Multiple exostoses; Hereditary multiple exostoses; Hereditary multiple exostosis; Hereditary multiple osteochondromas. Identifiers: Orphanet 321, MedGen C0015306, MONDO:0005508, HP:0002762.

Submission:

Labcorp Genetics (formerly Invitae), Labcorp
Classification: Pathogenic for Multiple congenital exostosis. Last evaluated: 2018-07-24. Review status: criteria provided, single submitter. Criteria: Invitae Variant Classification Sherloc (09022015). Collection method: clinical testing. Allele origin: germline.
Comment: This sequence change creates a premature translational stop signal (p.Leu195*) in the EXT1 gene. It is expected to result in an absent or disrupted protein product. This variant is not present in population databases (ExAC no frequency). This variant has not been reported in the literature in individuals with EXT1-related disease. Loss-of-function variants in EXT1 are known to be pathogenic (PMID: 10679937, 11391482, 19810120). For these reasons, this variant has been classified as Pathogenic.

Literature cited by the submitters: PubMed 10679937; PubMed 11391482; PubMed 19810120.